The following is an entry in ClinVar:

NM_000092.5(COL4A4):c.2234G>A (p.Gly745Asp)

Gene: COL4A4 (collagen type IV alpha 4 chain; minus strand). Cytogenetic location: 2q36.3.
Variant type: single nucleotide variant.
Coding change: c.2234G>A on transcript NM_000092.5 (MANE Select); coding-DNA position 2234, G replaced by A.
Protein change: p.Gly745Asp; replaces glycine 745 with aspartic acid.
Molecular consequence: missense variant.
Genome position (GRCh38, 1-based): chr2:227,059,554, C>T on the plus strand (G>A on the coding strand, the complement: COL4A4 is on the minus strand). VCF-style: chr2-227059554-C-T. GRCh37 (hg19) VCF-style: chr2-227924270-C-T.
Other names: short protein forms G745D.
Identifiers: ClinVar variation 3339289 (VCV003339289.1).

ClinVar aggregate classification (germline): Uncertain significance (1 of 4 stars; one submission).

Submission:

Women's Health and Genetics/Laboratory Corporation of America, LabCorp
Classification: Uncertain significance. Last evaluated: 2024-07-29. Review status: criteria provided, single submitter. Criteria: LabCorp Variant Classification Summary - May 2015. Collection method: clinical testing. Allele origin: germline.
Comment: Variant summary: COL4A4 c.2234G>A (p.Gly745Asp) results in a non-conservative amino acid change in the encoded protein sequence. Five of five in-silico tools predict a damaging effect of the variant on protein function. The variant was absent in 249376 control chromosomes. The available data on variant occurrences in the general population are insufficient to allow any conclusion about variant significance. To our knowledge, no occurrence of c.2234G>A in individuals affected with Alport Syndrome, Autosomal Recessive and no experimental evidence demonstrating its impact on protein function have been reported. No submitters have cited clinical-significance assessments for this variant to ClinVar. Based on the evidence outlined above, the variant was classified as uncertain significance.